The following is an entry in ClinVar:

ClinVar aggregate classification (germline): Conflicting classifications of pathogenicity. Review status: criteria provided, conflicting classifications (1 of 4 stars). 3 submissions from 3 submitters: Uncertain significance (2); Likely benign (1). Last evaluated 2019-12-31.

Conditions:
Impaired intellectual development, anterior maxillary protrusion, and strabismus. Also called: Intellectual disability, anterior maxillary protrusion, and strabismus. Identifiers: Orphanet 562559, MedGen C3150924, MONDO:0013353, OMIM 613671.

Allele frequency attached by ClinVar (database versions not stated): 1000 Genomes Project 0.00020; 1000 Genomes Project 30x 0.00031; ESP Exome Variant Server 0.00052; gnomAD exomes 0.00072 and 0.00143; gnomAD 0.00086 and 0.00087; TOPMed 0.00087; ExAC 0.00162.
gnomAD v4.1: 2,155 of 1,563,008 alleles (0.14%); highest among the groups gnomAD compares: Non-Finnish European, 0.17%; 3 homozygotes.

Submissions (3):

Labcorp Genetics (formerly Invitae), Labcorp
Classification: Likely benign. Last evaluated: 2019-12-31. Review status: criteria provided, single submitter. Criteria: Invitae Variant Classification Sherloc (09022015). Collection method: clinical testing. Allele origin: germline.

Baylor Genetics
Classification: Uncertain significance for Impaired intellectual development, anterior maxillary protrusion, and strabismus. Last evaluated: 2018-06-19. Review status: criteria provided, single submitter. Criteria: ACMG Guidelines, 2015. Collection method: clinical testing. Allele origin: unknown. Affected: yes.
Comment: This variant was determined to be of uncertain significance according to ACMG Guidelines, 2015 [PMID:25741868].

Genetic Services Laboratory, University of Chicago
Classification: Uncertain significance. Last evaluated: 2013-05-08. Review status: criteria provided, single submitter. Criteria: ACMG Guidelines, 2007. Collection method: clinical testing. Allele origin: germline. Inheritance: Autosomal recessive inheritance.

NM_018013.4(SOBP):c.1810C>A (p.Gln604Lys)

Gene: SOBP (sine oculis binding protein homolog; plus strand). Cytogenetic location: 6q21.
Variant type: single nucleotide variant.
Coding change: c.1810C>A on transcript NM_018013.4 (MANE Select); coding-DNA position 1810, C replaced by A.
Protein change: p.Gln604Lys; replaces glutamine 604 with lysine.
Molecular consequence: missense variant.
Genome position (GRCh38, 1-based): chr6:107,634,654, C>A. VCF-style: chr6-107634654-C-A. GRCh37 (hg19) VCF-style: chr6-107955858-C-A.
Other names: short protein forms Q604K.
Identifiers: ClinVar variation 130358 (VCV000130358.12), dbSNP rs368271940, ClinGen allele CA231522.